The following is an entry in ClinVar:

NM_000350.3(ABCA4):c.6146A>C (p.Lys2049Thr)

Gene: ABCA4 (ATP binding cassette subfamily A member 4; minus strand). Cytogenetic location: 1p22.1.
Variant type: single nucleotide variant.
Coding change: c.6146A>C on transcript NM_000350.3 (MANE Select); coding-DNA position 6146, A replaced by C.
Protein change: p.Lys2049Thr; replaces lysine 2049 with threonine.
Molecular consequence: missense variant.
Genome position (GRCh38, 1-based): chr1:94,005,442, T>G on the plus strand (A>C on the coding strand, the complement: ABCA4 is on the minus strand). VCF-style: chr1-94005442-T-G. GRCh37 (hg19) VCF-style: chr1-94470998-T-G.
Other names: c.5924A>C, p.Lys1975Thr (NM_001425324.1); short protein forms K2049T, K1975T.
Identifiers: ClinVar variation 1037438 (VCV001037438.13), dbSNP rs760481450, ClinGen allele CA957021.
Genomic context (GRCh38, chr1:94,005,442, plus strand): 5'-CATGAAACAGGCTTGTAATTAACCAGACTCCTATGTGGCCACAACAAAACATTTTTCACC[T>G]TTTCGATTTCTTCTGCTGGTACACCTCGAAGCCGGGCATAAAGGTAAAGATGTTCTCGTC-3'
Protein context (NP_000341.2, residues 2039-2059): LRGVPAEEIE[Lys2049Thr]VANWSIKSLG

ClinVar aggregate classification (germline): Conflicting classifications of pathogenicity. Review status: criteria provided, conflicting classifications (1 of 4 stars). 4 submissions from 4 submitters: Pathogenic (2); Likely pathogenic (1); Uncertain significance (1). Last evaluated 2025-06-23.

Conditions:
ABCA4-related disorder. Also called: ABCA4-related condition; ABCA4-related disorders. Identifiers: MedGen CN239167.
Retinitis pigmentosa (RP). Identifiers: Orphanet 791, MedGen C0035334, MeSH D012174, MONDO:0019200, OMIM 268000. Inheritance: Autosomal dominant, autosomal recessive and X linked inheritance.

Allele frequency attached by ClinVar (database versions not stated): gnomAD exomes below 0.00001; ExAC 0.00001; gnomAD 0.00001; TOPMed 0.00006.
gnomAD v4.1: 6 of 1,614,010 alleles (0.00037%); highest among the groups gnomAD compares: African/African-American, 0.008%; no homozygotes.

Submissions (4):

Labcorp Genetics (formerly Invitae), Labcorp
Classification: Pathogenic. Last evaluated: 2025-06-23. Review status: criteria provided, single submitter. Criteria: Invitae Variant Classification Sherloc (09022015). Collection method: clinical testing. Allele origin: germline.
Comment: This sequence change replaces lysine, which is basic and polar, with threonine, which is neutral and polar, at codon 2049 of the ABCA4 protein (p.Lys2049Thr). This variant is present in population databases (rs760481450, gnomAD 0.008%). This missense change has been observed in individual(s) with clinical features of Stargardt disease or cone-rod dystrophy (PMID: 35120629; internal data). In at least one individual the data is consistent with being in trans (on the opposite chromosome) from a pathogenic variant. ClinVar contains an entry for this variant (Variation ID: 1037438). An algorithm developed to predict the effect of missense changes on protein structure and function (PolyPhen-2) suggests that this variant is likely to be tolerated. Algorithms developed to predict the effect of sequence changes on RNA splicing suggest that this variant may disrupt the consensus splice site. For these reasons, this variant has been classified as Pathogenic.

Women's Health and Genetics/Laboratory Corporation of America, LabCorp
Classification: Likely pathogenic for Retinitis pigmentosa. Last evaluated: 2024-11-08. Review status: criteria provided, single submitter. Criteria: LabCorp Variant Classification Summary - May 2015. Collection method: clinical testing. Allele origin: germline.
Comment: Variant summary: ABCA4 c.6146A>C (p.Lys2049Thr) results in a non-conservative amino acid change located in the ATP-binding cassette, ABC transporter-type domain (IPR003439) of the encoded protein sequence. Three of five in-silico tools predict a benign effect of the variant on protein function. Several computational tools predict a significant impact on normal splicing: Two predict the variant abolishes a 5' splicing donor site. Two predict the variant weakens a 5' donor site. However, these predictions have yet to be confirmed by functional studies. The variant allele was found at a frequency of 4e-06 in 251348 control chromosomes. c.6146A>C has been reported in the presumed compound heterozygous or biallelic state in the literature in multiple individuals affected with Stargardt disease and/or retinal dystrophy (example, Cornelis_2022, Fenner_2024, Labcorp [formerly Invitae, internal data]). These data indicate that the variant is likely to be associated with disease. To our knowledge, no experimental evidence demonstrating an impact on protein function has been reported. The following publications have been ascertained in the context of this evaluation (PMID: 35120629, 38309476, NO_PMID). ClinVar contains an entry for this variant (Variation ID: 1037438). Based on the evidence outlined above, the variant was classified as likely pathogenic.

Blueprint Genetics
Classification: Pathogenic for ABCA4-related disorders. Last evaluated: 2022-05-25. Review status: criteria provided, single submitter. Criteria: ACMG Guidelines, 2015. Collection method: clinical testing. Allele origin: germline. Affected: yes. Observed: 3 variant alleles.

GeneDx
Classification: Uncertain significance. Last evaluated: 2019-05-10. Review status: criteria provided, single submitter. Criteria: GeneDx Variant Classification Process June 2021. Collection method: clinical testing. Allele origin: germline. Affected: yes.
Comment: In silico analysis, which includes protein predictors and evolutionary conservation, supports a deleterious effect; In addition, in silico splice predictors suggest this variant may lead to abnormal gene splicing; Has not been previously published as pathogenic or benign to our knowledge

Literature cited by the submitters: PubMed 35120629 (cited by Labcorp Genetics (formerly Invitae), Labcorp and Women's Health and Genetics/Laboratory Corporation of America, LabCorp); PubMed 38309476 (cited by Women's Health and Genetics/Laboratory Corporation of America, LabCorp).